The following is an entry in ClinVar:

NM_017534.6(MYH2):c.3181C>G (p.Leu1061Val)

Genes: MYH2 (myosin heavy chain 2; minus strand), MYHAS (myosin heavy chain gene cluster antisense RNA; plus strand). Cytogenetic location: 17p13.1.
Variant type: single nucleotide variant.
Coding change: c.3181C>G on transcript NM_017534.6 (MANE Select); coding-DNA position 3181, C replaced by G.
Protein change: p.Leu1061Val; replaces leucine 1061 with valine.
Molecular consequence: missense variant.
Genome position (GRCh38, 1-based): chr17:10,529,418, G>C on the plus strand (C>G on the coding strand, the complement: MYH2 is on the minus strand). VCF-style: chr17-10529418-G-C. GRCh37 (hg19) VCF-style: chr17-10432735-G-C.
Other names: c.3181C>G, p.Leu1061Val (NM_001100112.2); short protein forms L1061V.
Identifiers: ClinVar variation 195897 (VCV000195897.56), dbSNP rs142586585, ClinGen allele CA202011.

ClinVar aggregate classification (germline): Conflicting classifications of pathogenicity. Review status: criteria provided, conflicting classifications (1 of 4 stars). 10 submissions from 10 submitters: Uncertain significance (1); Benign (3); Likely benign (5). 1 of the submissions does not count toward it. Last evaluated 2026-06-01.

Conditions:
MYH2-related disorder. Also called: MYH2-related condition.
Myopathy, proximal, and ophthalmoplegia (CMYO6). Also called: MYOPATHY WITH CONGENITAL JOINT CONTRACTURES, OPHTHALMOPLEGIA, AND RIMMED VACUOLES; INCLUSION BODY MYOPATHY 3, AUTOSOMAL DOMINANT; CONGENITAL MYOPATHY 6 WITH OPHTHALMOPLEGIA. Identifiers: Orphanet 363677, Orphanet 79091, MedGen C1854106, MONDO:0011577, OMIM 605637.

Allele frequency attached by ClinVar (database versions not stated): 1000 Genomes Project 30x 0.00047; 1000 Genomes Project 0.00060; ExAC 0.00195; gnomAD exomes 0.00198 and 0.00352; TOPMed 0.00215; gnomAD 0.00221 and 0.00225; ESP Exome Variant Server 0.00308.
gnomAD v4.1: 5,478 of 1,614,156 alleles (0.34%); highest among the groups gnomAD compares: Non-Finnish European, 0.42%; 7 homozygotes.

Submissions (10):

CeGaT Center for Human Genetics Tuebingen
Classification: Benign. Last evaluated: 2026-06-01. Review status: criteria provided, single submitter. Criteria: CeGaT Center For Human Genetics Tuebingen Variant Classification Criteria Version 2. Collection method: clinical testing. Allele origin: germline. Affected: yes. Observed: 6 variant alleles.
Comment: MYH2: BS1, BS2

Labcorp Genetics (formerly Invitae), Labcorp
Classification: Likely benign for Myopathy, proximal, and ophthalmoplegia. Last evaluated: 2026-02-01. Review status: criteria provided, single submitter. Criteria: Invitae Variant Classification Sherloc (09022015). Collection method: clinical testing. Allele origin: germline.

Blueprint Genetics
Classification: Likely benign. Last evaluated: 2024-11-22. Review status: criteria provided, single submitter. Criteria: ACMG Guidelines, 2015. Collection method: clinical testing. Allele origin: germline.

Mayo Clinic Laboratories, Mayo Clinic
Classification: Benign. Last evaluated: 2024-09-05. Review status: criteria provided, single submitter. Criteria: ACMG Guidelines, 2015. Collection method: clinical testing. Allele origin: germline. Observed: 5 variant alleles.
Comment: BS1, BS2

GeneDx
Classification: Likely benign. Last evaluated: 2021-06-08. Review status: criteria provided, single submitter. Criteria: GeneDx Variant Classification Process June 2021. Collection method: clinical testing. Allele origin: germline. Affected: yes.
Comment: This variant is associated with the following publications: (PMID: 15741996, 22349865)

Mendelics
Classification: Benign for Myopathy, proximal, and ophthalmoplegia. Last evaluated: 2019-05-28. Review status: criteria provided, single submitter. Criteria: Mendelics Assertion Criteria 2017. Collection method: clinical testing. Allele origin: unknown.

Athena Diagnostics
Classification: Likely benign. Last evaluated: 2019-05-07. Review status: criteria provided, single submitter. Criteria: Athena Diagnostics Criteria. Collection method: clinical testing. Allele origin: germline.

Illumina Laboratory Services, Illumina
Classification: Uncertain significance for Myopathy, proximal, and ophthalmoplegia. Last evaluated: 2018-02-16. Review status: criteria provided, single submitter. Criteria: ICSL Variant Classification Criteria 13 December 2019. Collection method: clinical testing. Allele origin: germline.
Comment: This variant was observed as part of a predisposition screen in an ostensibly healthy population. A literature search was performed for the gene, cDNA change, and amino acid change (where applicable). Publications were found based on this search. However, the evidence from the literature, in combination with allele frequency data from public databases where available, was not sufficient to rule this variant in or out of causing disease. Therefore, this variant is classified as a variant of unknown significance.

Eurofins Ntd Llc (ga)
Classification: Likely benign. Last evaluated: 2015-04-15. Review status: criteria provided, single submitter. Criteria: EGL Classification Definitions 2015. Collection method: clinical testing. Allele origin: germline. Observed: 1 variant allele, 1 heterozygote.

PreventionGenetics, part of Exact Sciences
Classification: Likely benign for MYH2-related condition. Last evaluated: 2024-05-17. Review status: no assertion criteria provided. Collection method: clinical testing. Allele origin: germline. Not counted in ClinVar's aggregate classification.
Comment: This variant is classified as likely benign based on ACMG/AMP sequence variant interpretation guidelines (Richards et al. 2015 PMID: 25741868, with internal and published modifications).

Literature cited by the submitters: PubMed 15741996 (cited by 3 submitters); PubMed 22349865 (cited by Mayo Clinic Laboratories, Mayo Clinic and Athena Diagnostics); PubMed 29687901 (cited by Mayo Clinic Laboratories, Mayo Clinic); PubMed 20418530 (cited by Illumina Laboratory Services, Illumina).